The following is an entry in ClinVar:

ClinVar aggregate classification (germline): Uncertain significance. Review status: criteria provided, multiple submitters, no conflicts (2 of 4 stars). 2 submissions from 2 submitters: Uncertain significance (2). Last evaluated 2025-09-21.

Conditions:
Fibrous dysplasia of jaw (CRBM). Also called: Cherubism. Identifiers: Orphanet 184, MedGen C0008029, MONDO:0007315, OMIM 118400.

Submissions (2):

Labcorp Genetics (formerly Invitae), Labcorp
Classification: Uncertain significance for Fibrous dysplasia of jaw. Last evaluated: 2025-09-21. Review status: criteria provided, single submitter. Criteria: Invitae Variant Classification Sherloc (09022015). Collection method: clinical testing. Allele origin: germline.
Comment: This sequence change replaces glutamic acid, which is acidic and polar, with glycine, which is neutral and non-polar, at codon 463 of the SH3BP2 protein (p.Glu463Gly). This variant is not present in population databases (gnomAD no frequency). This variant has not been reported in the literature in individuals affected with SH3BP2-related conditions. ClinVar contains an entry for this variant (Variation ID: 1723843). Invitae Evidence Modeling of protein sequence and biophysical properties (such as structural, functional, and spatial information, amino acid conservation, physicochemical variation, residue mobility, and thermodynamic stability) indicates that this missense variant is not expected to disrupt SH3BP2 protein function with a negative predictive value of 95%. In summary, the available evidence is currently insufficient to determine the role of this variant in disease. Therefore, it has been classified as a Variant of Uncertain Significance.

GeneDx
Classification: Uncertain significance. Last evaluated: 2025-05-15. Review status: criteria provided, single submitter. Criteria: GeneDx Variant Classification Process June 2021. Collection method: clinical testing. Allele origin: germline. Affected: yes.
Comment: Has not been previously published as pathogenic or benign to our knowledge; Not observed at significant frequency in large population cohorts (gnomAD); In silico analysis supports that this missense variant has a deleterious effect on protein structure/function

NM_001122681.2(SH3BP2):c.1388A>G (p.Glu463Gly)

Gene: SH3BP2 (SH3 domain binding protein 2; plus strand). Cytogenetic location: 4p16.3.
Variant type: single nucleotide variant.
Coding change: c.1388A>G on transcript NM_001122681.2 (MANE Select); coding-DNA position 1388, A replaced by G.
Protein change: p.Glu463Gly; replaces glutamic acid 463 with glycine.
Molecular consequence: missense variant.
Genome position (GRCh38, 1-based): chr4:2,831,960, A>G. VCF-style: chr4-2831960-A-G. GRCh37 (hg19) VCF-style: chr4-2833687-A-G.
Other names: c.1472A>G, p.Glu491Gly (NM_001145855.2); c.1559A>G, p.Glu520Gly (NM_001145856.2); c.1388A>G, p.Glu463Gly (NM_003023.4); short protein forms E463G, E491G, E520G.
Identifiers: ClinVar variation 1723843 (VCV001723843.4), dbSNP rs2530358957, ClinGen allele CA356058246.
Genomic context (GRCh38, chr4:2,831,960, plus strand): 5'-CTGACACCGTCAGCCTCTTGCAGGTGCCACTGCCCAACTCGGTCTTCGTCAACACCACGG[A>G]GTCCTGCGAAGTGGAAAGGTCAGCACAAAGCCCTGTGTGTGCTGGGTCCTCCGCCATGCC-3'
Protein context (NP_001116153.1, residues 453-473): LPNSVFVNTT[Glu463Gly]SCEVERLFKA